The following is an entry in ClinVar:

ClinVar aggregate classification (germline): Uncertain significance. Review status: criteria provided, multiple submitters, no conflicts (2 of 4 stars). 2 submissions from 2 submitters: Uncertain significance (2). Last evaluated 2026-01-26.

Conditions:
Inborn genetic diseases. Identifiers: MedGen C0950123, MeSH D030342.

gnomAD v4.1: 23 of 1,547,754 alleles (0.0015%); highest among the groups gnomAD compares: Admixed American, 0.043%; no homozygotes.

Submissions (2):

Labcorp Genetics (formerly Invitae), Labcorp
Classification: Uncertain significance. Last evaluated: 2026-01-26. Review status: criteria provided, single submitter. Criteria: Invitae Variant Classification Sherloc (09022015). Collection method: clinical testing. Allele origin: germline.
Comment: This sequence change replaces serine, which is neutral and polar, with arginine, which is basic and polar, at codon 80 of the SLC9A3 protein (p.Ser80Arg). The frequency data for this variant in the population databases is considered unreliable, as metrics indicate poor data quality at this position in the gnomAD database. This variant has not been reported in the literature in individuals affected with SLC9A3-related conditions. ClinVar contains an entry for this variant (Variation ID: 1350272). Invitae Evidence Modeling of protein sequence and biophysical properties (such as structural, functional, and spatial information, amino acid conservation, physicochemical variation, residue mobility, and thermodynamic stability) indicates that this missense variant is not expected to disrupt SLC9A3 protein function with a negative predictive value of 80%. In summary, the available evidence is currently insufficient to determine the role of this variant in disease. Therefore, it has been classified as a Variant of Uncertain Significance.

Ambry Genetics
Classification: Uncertain significance for Inborn genetic diseases. Last evaluated: 2024-04-20. Review status: criteria provided, single submitter. Criteria: Ambry Variant Classification Scheme 2023. Collection method: clinical testing. Allele origin: germline.

NM_004174.4(SLC9A3):c.240C>A (p.Ser80Arg)

Gene: SLC9A3 (solute carrier family 9 member A3). Cytogenetic location: 5p15.33.
Variant type: single nucleotide variant.
Coding change: c.240C>A on transcript NM_004174.4 (MANE Select); coding-DNA position 240, C replaced by A.
Protein change: p.Ser80Arg; replaces serine 80 with arginine.
Molecular consequence: missense variant.
Genome position (GRCh38, 1-based): chr5:492,043, G>T on the plus strand (C>A on the coding strand, the complement: SLC9A3 is on the minus strand). VCF-style: chr5-492043-G-T. GRCh37 (hg19) VCF-style: chr5-492158-G-T.
Other names: c.240C>A (NM_004174.2); c.240C>A, p.Ser80Arg (NM_001284351.3); short protein forms S80R.
Identifiers: ClinVar variation 1350272 (VCV001350272.7), dbSNP rs969509137, ClinGen allele CA359031643.
Genomic context (GRCh38, chr5:492,043, plus strand): 5'-CCAGACGATGCCGCCCAGCACCAGGCCCAGCACGATGAGCAGGGCGCTCTCGGGAACCAC[G>T]CTGGTGACCTTGTGGGACAGGTGGAACCCTGTGGGGGAAGGGAGGGAGGTCAGGGCCGGG-3'
Protein context (NP_004165.2, residues 70-90): IGFHLSHKVT[Ser80Arg]VVPESALLIV